The following is an entry in ClinVar:

ClinVar aggregate classification (germline): Uncertain significance (1 of 4 stars; one submission).

Conditions:
Deficiency of UDPglucose-hexose-1-phosphate uridylyltransferase. Also called: GALT deficiency; Galactosemia, classic; GALACTOSE-1-PHOSPHATE URIDYLYLTRANSFERASE DEFICIENCY; Transferase Deficiency Galactosemia; GALACTOSEMIA I. Identifiers: Orphanet 352, Orphanet 79239, MedGen C0268151, MONDO:0009258, OMIM 230400.

Allele frequency attached by ClinVar (database versions not stated): gnomAD exomes below 0.00001; TOPMed below 0.00001; ExAC 0.00001.

Submission:

Labcorp Genetics (formerly Invitae), Labcorp
Classification: Uncertain significance for Deficiency of UDPglucose-hexose-1-phosphate uridylyltransferase. Last evaluated: 2021-08-26. Review status: criteria provided, single submitter. Criteria: Invitae Variant Classification Sherloc (09022015). Collection method: clinical testing. Allele origin: germline.
Comment: This sequence change replaces methionine with isoleucine at codon 336 of the GALT protein (p.Met336Ile). The methionine residue is moderately conserved and there is a small physicochemical difference between methionine and isoleucine. This variant is present in population databases (rs770770917, ExAC 0.006%). This missense change has been observed in individual(s) with a positive newborn screening result for GALT-related disease (Invitae). Algorithms developed to predict the effect of missense changes on protein structure and function are either unavailable or do not agree on the potential impact of this missense change (SIFT: "Deleterious"; PolyPhen-2: "Probably Damaging"; Align-GVGD: "Class C0"). Algorithms developed to predict the effect of sequence changes on RNA splicing suggest that this variant may create or strengthen a splice site. In summary, the available evidence is currently insufficient to determine the role of this variant in disease. Therefore, it has been classified as a Variant of Uncertain Significance.

NM_000155.4(GALT):c.1008G>A (p.Met336Ile)

Gene: GALT (galactose-1-phosphate uridylyltransferase; plus strand). Cytogenetic location: 9p13.3.
Variant type: single nucleotide variant.
Coding change: c.1008G>A on transcript NM_000155.4 (MANE Select); coding-DNA position 1008, G replaced by A.
Protein change: p.Met336Ile; replaces methionine 336 with isoleucine.
Molecular consequence: missense variant.
Genome position (GRCh38, 1-based): chr9:34,649,513, G>A. VCF-style: chr9-34649513-G-A. GRCh37 (hg19) VCF-style: chr9-34649510-G-A.
Other names: c.681G>A, p.Met227Ile (NM_001258332.2); short protein forms M336I, M227I.
Identifiers: ClinVar variation 972070 (VCV000972070.7), dbSNP rs770770917, ClinGen allele CA5036272.
Genomic context (GRCh38, chr9:34,649,513, plus strand): 5'-GCAGCTGCACGCTCATTACTACCCTCCGCTCCTGCGCTCTGCCACTGTCCGGAAATTCAT[G>A]GTTGGCTACGAAATGCTTGCTCAGGCTCAGAGGGACCTCACCCCTGAGCAGGTCAGGACT-3'
Protein context (NP_000146.2, residues 326-346): LLRSATVRKF[Met336Ile]VGYEMLAQAQ